The following is an entry in ClinVar:

ClinVar aggregate classification (germline): Uncertain significance. Review status: criteria provided, multiple submitters, no conflicts (2 of 4 stars). 5 submissions from 5 submitters: Uncertain significance (5). Last evaluated 2026-05-29.

Conditions:
Hypercalcemia, infantile, 2 (HCINF2). Identifiers: Orphanet 300547, MedGen C4310473, MONDO:0014851, OMIM 616963.
Kidney stone. Also called: Nephrolithiasis. Identifiers: MedGen C0392525, MONDO:0008171, HP:0000787.
Fanconi renotubular syndrome 2 (FRTS2). Identifiers: MedGen C3150652, MONDO:0013247, OMIM 613388.
Hypophosphatemic nephrolithiasis/osteoporosis 1. Identifiers: Orphanet 244305, MedGen C2676786, MONDO:0012850, OMIM 612286.

gnomAD v4.1: 22 of 1,614,042 alleles (0.0014%); highest among the groups gnomAD compares: Middle Eastern, 0.016%; no homozygotes.

Submissions (5):

GeneDx
Classification: Uncertain significance. Last evaluated: 2026-05-29. Review status: criteria provided, single submitter. Criteria: GeneDx Variant Classification Process June 2021. Collection method: clinical testing. Allele origin: germline.
Comment: Reported in the heterozygous state in a patient with chronic kidney disease in published literature (PMID: 36134775); In silico analysis supports that this missense variant has a deleterious effect on protein structure/function; This variant is associated with the following publications: (PMID: 36134775)

Clinical Genetics Laboratory, Skane University Hospital Lund
Classification: Uncertain significance for Kidney stone. Last evaluated: 2026-04-24. Review status: criteria provided, single submitter. Criteria: ACMG Guidelines, 2015. Collection method: clinical testing. Allele origin: germline. Affected: yes.
Comment: ACMG criteria used: PM2, PP3

Genomic Medicine Center of Excellence, King Faisal Specialist Hospital and Research Centre
Classification: Uncertain significance for Hypercalcemia, infantile, 2. Last evaluated: 2025-09-10. Review status: criteria provided, single submitter. Criteria: ACMG Guidelines, 2015. Collection method: clinical testing. Allele origin: germline.

Labcorp Genetics (formerly Invitae), Labcorp
Classification: Uncertain significance. Last evaluated: 2025-05-25. Review status: criteria provided, single submitter. Criteria: Invitae Variant Classification Sherloc (09022015). Collection method: clinical testing. Allele origin: germline.
Comment: This sequence change replaces proline, which is neutral and non-polar, with leucine, which is neutral and non-polar, at codon 442 of the SLC34A1 protein (p.Pro442Leu). This variant is present in population databases (rs760010857, gnomAD 0.01%). This missense change has been observed in individual(s) with clinical features of SLC34A1-related disorders (PMID: 36134775). ClinVar contains an entry for this variant (Variation ID: 3592146). Invitae Evidence Modeling of protein sequence and biophysical properties (such as structural, functional, and spatial information, amino acid conservation, physicochemical variation, residue mobility, and thermodynamic stability) indicates that this missense variant is expected to disrupt SLC34A1 protein function with a positive predictive value of 80%. In summary, the available evidence is currently insufficient to determine the role of this variant in disease. Therefore, it has been classified as a Variant of Uncertain Significance.

Fulgent Genetics
Classification: Uncertain significance for Hypophosphatemic nephrolithiasis/osteoporosis 1; Fanconi renotubular syndrome 2; Hypercalcemia, infantile, 2. Last evaluated: 2024-06-15. Review status: criteria provided, single submitter. Criteria: ACMG Guidelines, 2015. Collection method: clinical testing. Allele origin: germline.

Literature cited by the submitters: PubMed 36134775 (cited by Labcorp Genetics (formerly Invitae), Labcorp).

NM_003052.5(SLC34A1):c.1325C>T (p.Pro442Leu)

Gene: SLC34A1 (solute carrier family 34 member 1; plus strand). Cytogenetic location: 5q35.3.
Variant type: single nucleotide variant.
Coding change: c.1325C>T on transcript NM_003052.5 (MANE Select); coding-DNA position 1325, C replaced by T.
Protein change: p.Pro442Leu; replaces proline 442 with leucine.
Molecular consequence: missense variant.
Genome position (GRCh38, 1-based): chr5:177,396,983, C>T. VCF-style: chr5-177396983-C-T. GRCh37 (hg19) VCF-style: chr5-176823984-C-T.
Other names: c.1325C>T (NM_003052.4); short protein forms P442L.
Identifiers: ClinVar variation 3592146 (VCV003592146.6).
Genomic context (GRCh38, chr5:177,396,983, plus strand): 5'-TCCCACTTCCTCTCCCTCTGTCCCCAGGTCTTGGTGTGATCAGCATTGAGAGGGCCTACC[C>T]GCTCACACTGGGTTCCAACATCGGCACCACCACCACGGCCATCCTGGCTGCCCTGGCCAG-3'
Protein context (NP_003043.3, residues 432-452): LGVISIERAY[Pro442Leu]LTLGSNIGTT